The following is an entry in ClinVar:

ClinVar aggregate classification (germline): Uncertain significance (1 of 4 stars; one submission).

Conditions:
Anophthalmia-microphthalmia syndrome. Also called: Anophthalmia - microphthalmia; Anophthalmia/Microphthalmia. Identifiers: Orphanet 98555, MedGen C5680330, MONDO:0020147.

gnomAD v4.1: 5 of 1,614,202 alleles (0.00031%); highest among the groups gnomAD compares: Non-Finnish European, 0.00042%; no homozygotes.

Submission:

Labcorp Genetics (formerly Invitae), Labcorp
Classification: Uncertain significance for Anophthalmia-microphthalmia syndrome. Last evaluated: 2024-02-23. Review status: criteria provided, single submitter. Criteria: Invitae Variant Classification Sherloc (09022015). Collection method: clinical testing. Allele origin: germline.
Comment: This sequence change replaces threonine, which is neutral and polar, with isoleucine, which is neutral and non-polar, at codon 180 of the OTX2 protein (p.Thr180Ile). This variant is not present in population databases (gnomAD no frequency). This variant has not been reported in the literature in individuals affected with OTX2-related conditions. An algorithm developed to predict the effect of missense changes on protein structure and function (PolyPhen-2) suggests that this variant is likely to be tolerated. In summary, the available evidence is currently insufficient to determine the role of this variant in disease. Therefore, it has been classified as a Variant of Uncertain Significance.

NM_021728.4(OTX2):c.563C>T (p.Thr188Ile)

Gene: OTX2 (orthodenticle homeobox 2; minus strand). Cytogenetic location: 14q22.3.
Variant type: single nucleotide variant.
Coding change: c.563C>T on transcript NM_021728.4 (MANE Select); coding-DNA position 563, C replaced by T.
Protein change: p.Thr188Ile; replaces threonine 188 with isoleucine.
Molecular consequence: missense variant. On other transcripts: non-coding transcript variant (2).
Genome position (GRCh38, 1-based): chr14:56,802,066, G>A on the plus strand (C>T on the coding strand, the complement: OTX2 is on the minus strand). VCF-style: chr14-56802066-G-A. GRCh37 (hg19) VCF-style: chr14-57268784-G-A.
Other names: c.539C>T, p.Thr180Ile (NM_001270523.2, NM_001270524.2, NM_172337.3); c.563C>T, p.Thr188Ile (NM_001270525.2); short protein forms T188I, T180I.
Identifiers: ClinVar variation 3642980 (VCV003642980.2).
Genomic context (GRCh38, chr14:56,802,066, plus strand): 5'-TCCATGCCCCCAAAGTAGGAAGTTGAGCCAGCATATCCTTGACTATAACCTGAAGCCTGA[G>A]TATAGGTCATGGGATAGGACCTCTGCATGCAGGAAGAGGAGGTGGACAAGGGATCTGACA-3'
Protein context (NP_068374.1, residues 178-198): CMQRSYPMTY[Thr188Ile]QASGYSQGYA